The following is an entry in ClinVar:

ClinVar aggregate classification (germline): Uncertain significance (1 of 4 stars; one submission).

Allele frequency attached by ClinVar (database versions not stated): ExAC 0.00001; gnomAD exomes 0.00001.
gnomAD v4.1: 4 of 1,613,622 alleles (0.00025%); highest among the groups gnomAD compares: South Asian, 0.0044%; no homozygotes.

Submission:

Labcorp Genetics (formerly Invitae), Labcorp
Classification: Uncertain significance. Last evaluated: 2022-07-30. Review status: criteria provided, single submitter. Criteria: Invitae Variant Classification Sherloc (09022015). Collection method: clinical testing. Allele origin: germline.
Comment: In summary, the available evidence is currently insufficient to determine the role of this variant in disease. Therefore, it has been classified as a Variant of Uncertain Significance. Algorithms developed to predict the effect of missense changes on protein structure and function output the following: SIFT: "Tolerated"; PolyPhen-2: "Benign"; Align-GVGD: "Class C0". The tyrosine amino acid residue is found in multiple mammalian species, which suggests that this missense change does not adversely affect protein function. This variant has not been reported in the literature in individuals affected with MTHFD1-related conditions. This variant is present in population databases (rs764186500, gnomAD 0.006%). This sequence change replaces cysteine, which is neutral and slightly polar, with tyrosine, which is neutral and polar, at codon 326 of the MTHFD1 protein (p.Cys326Tyr).

NM_005956.4(MTHFD1):c.977G>A (p.Cys326Tyr)

Gene: MTHFD1 (methylenetetrahydrofolate dehydrogenase, cyclohydrolase and formyltetrahydrofolate synthetase 1; plus strand). Cytogenetic location: 14q23.3.
Variant type: single nucleotide variant.
Coding change: c.977G>A on transcript NM_005956.4 (MANE Select); coding-DNA position 977, G replaced by A.
Protein change: p.Cys326Tyr; replaces cysteine 326 with tyrosine.
Molecular consequence: missense variant.
Genome position (GRCh38, 1-based): chr14:64,426,042, G>A. VCF-style: chr14-64426042-G-A. GRCh37 (hg19) VCF-style: chr14-64892760-G-A.
Other names: c.977G>A, p.Cys326Tyr (NM_001364837.1); short protein forms C326Y.
Identifiers: ClinVar variation 2135856 (VCV002135856.4), dbSNP rs764186500, ClinGen allele CA7226093.